The following is an entry in ClinVar:

ClinVar aggregate classification (germline): Conflicting classifications of pathogenicity. Review status: criteria provided, conflicting classifications (1 of 4 stars). 5 submissions from 5 submitters: Likely pathogenic (1); Uncertain significance (4). Last evaluated 2025-04-24.

Conditions:
Age related macular degeneration 2. Also called: MACULOPATHY, AGE-RELATED; MACULAR DEGENERATION, SENILE; MACULOPATHY, AGE-RELATED, 2. Identifiers: MedGen C3495438, MONDO:0007932, OMIM 153800.
Cone-rod dystrophy 3 (CORD3). Identifiers: Orphanet 1872, MedGen C1858806, MONDO:0011395, OMIM 604116.
Severe early-childhood-onset retinal dystrophy (STGD1). Also called: STGD; Stargardt macular dystrophy; Juvenile onset macular degeneration; Stargardt disease 1; MACULAR DYSTROPHY WITH FLECKS, TYPE 1. Identifiers: Orphanet 364055, Orphanet 827, MedGen C1855465, MeSH D000080362, MONDO:0009549, OMIM 248200.
Retinitis pigmentosa 19 (RP19). Also called: ABCA4-Related Retinitis Pigmentosa. Identifiers: Orphanet 791, MedGen C1866422, MONDO:0011137, OMIM 601718.
ABCA4-related disorder. Also called: ABCA4-related condition; ABCA4-related disorders. Identifiers: MedGen CN239167.

Allele frequency attached by ClinVar (database versions not stated): gnomAD 0.00001; ExAC 0.00002; gnomAD exomes 0.00002 and 0.00003; TOPMed 0.00002.
gnomAD v4.1: 37 of 1,614,064 alleles (0.0023%); highest among the groups gnomAD compares: Admixed American, 0.0033%; no homozygotes.

Submissions (5):

PreventionGenetics, part of Exact Sciences
Classification: Uncertain significance for ABCA4-related condition. Last evaluated: 2025-04-24. Review status: criteria provided, single submitter. Criteria: ACMG Guidelines, 2015. Collection method: clinical testing. Allele origin: germline.
Comment: The ABCA4 c.4765G>A variant is predicted to result in the amino acid substitution p.Val1589Met. This variant has been reported in individuals with ABCA4-associated disease (Bauwens et al. 2019. PubMed ID: 30670881; Corradi et al. 2023. PubMed ID: 37705246). This variant is reported in 0.0050% of alleles in individuals of East Asian descent in gnomAD. At this time, the clinical significance of this variant is uncertain due to the absence of conclusive functional and genetic evidence.

Labcorp Genetics (formerly Invitae), Labcorp
Classification: Uncertain significance. Last evaluated: 2024-10-29. Review status: criteria provided, single submitter. Criteria: Invitae Variant Classification Sherloc (09022015). Collection method: clinical testing. Allele origin: germline.
Comment: This sequence change replaces valine, which is neutral and non-polar, with methionine, which is neutral and non-polar, at codon 1589 of the ABCA4 protein (p.Val1589Met). This variant is present in population databases (rs767980304, gnomAD 0.005%). This missense change has been observed in individual(s) with ABCA4-associated conditions (PMID: 30670881). ClinVar contains an entry for this variant (Variation ID: 866045). Invitae Evidence Modeling of protein sequence and biophysical properties (such as structural, functional, and spatial information, amino acid conservation, physicochemical variation, residue mobility, and thermodynamic stability) has been performed for this missense variant. However, the output from this modeling did not meet the statistical confidence thresholds required to predict the impact of this variant on ABCA4 protein function. In summary, the available evidence is currently insufficient to determine the role of this variant in disease. Therefore, it has been classified as a Variant of Uncertain Significance.

Blueprint Genetics
Classification: Likely pathogenic for ABCA4-related disorders. Last evaluated: 2023-09-28. Review status: criteria provided, single submitter. Criteria: ACMG Guidelines, 2015. Collection method: clinical testing. Allele origin: germline. Affected: yes. Observed: 5 variant alleles.

Fulgent Genetics
Classification: Uncertain significance for Age related macular degeneration 2; Severe early-childhood-onset retinal dystrophy; Retinitis pigmentosa 19; Cone-rod dystrophy 3. Last evaluated: 2021-11-09. Review status: criteria provided, single submitter. Criteria: ACMG Guidelines, 2015. Collection method: clinical testing. Allele origin: unknown.

CeGaT Center for Human Genetics Tuebingen
Classification: Uncertain significance. Last evaluated: 2021-09-01. Review status: criteria provided, single submitter. Criteria: CeGaT Center For Human Genetics Tuebingen Variant Classification Criteria Version 2. Collection method: clinical testing. Allele origin: germline. Affected: yes. Observed: 1 variant allele.

Literature cited by the submitters: PubMed 30670881 (cited by Labcorp Genetics (formerly Invitae), Labcorp).

NM_000350.3(ABCA4):c.4765G>A (p.Val1589Met)

Genes: ABCA4 (ATP binding cassette subfamily A member 4; minus strand), LOC126805793 (CDK7 strongly-dependent group 2 enhancer GRCh37_chr1:94486302-94487501; plus strand). Cytogenetic location: 1p22.1.
Variant type: single nucleotide variant.
Coding change: c.4765G>A on transcript NM_000350.3 (MANE Select); coding-DNA position 4765, G replaced by A.
Protein change: p.Val1589Met; replaces valine 1589 with methionine.
Molecular consequence: missense variant.
Genome position (GRCh38, 1-based): chr1:94,021,854, C>T on the plus strand (G>A on the coding strand, the complement: ABCA4 is on the minus strand). VCF-style: chr1-94021854-C-T. GRCh37 (hg19) VCF-style: chr1-94487410-C-T.
Other names: c.4543G>A, p.Val1515Met (NM_001425324.1); short protein forms V1589M, V1515M.
Identifiers: ClinVar variation 866045 (VCV000866045.48), dbSNP rs767980304, ClinGen allele CA957489.